The following is an entry in ClinVar:

ClinVar aggregate classification (germline): Uncertain significance (1 of 4 stars; one submission).

Conditions:
Neuropathy, hereditary motor and sensory, type 6B (HMSN6B). Also called: HMSN VIB; CHARCOT-MARIE-TOOTH DISEASE, TYPE 6B; Neuropathy, hereditary motor and sensory, type VIB; NEUROPATHY, HEREDITARY MOTOR AND SENSORY, TYPE VIB, WITH OPTIC ATROPHY. Identifiers: MedGen C4225302, MONDO:0014671, OMIM 616505.

Allele frequency attached by ClinVar (database versions not stated): gnomAD exomes below 0.00001 and 0.00001.
gnomAD v4.1: 3 of 1,549,254 alleles (0.00019%); highest among the groups gnomAD compares: Non-Finnish European, 0.00026%; no homozygotes.

Submission:

Labcorp Genetics (formerly Invitae), Labcorp
Classification: Uncertain significance for Neuropathy, hereditary motor and sensory, type 6B. Last evaluated: 2021-09-05. Review status: criteria provided, single submitter. Criteria: Invitae Variant Classification Sherloc (09022015). Collection method: clinical testing. Allele origin: germline.
Comment: This sequence change replaces phenylalanine with serine at codon 9 of the SLC25A46 protein (p.Phe9Ser). The phenylalanine residue is moderately conserved and there is a large physicochemical difference between phenylalanine and serine. This variant is not present in population databases (ExAC no frequency). This variant has not been reported in the literature in individuals affected with SLC25A46-related conditions. Algorithms developed to predict the effect of missense changes on protein structure and function are either unavailable or do not agree on the potential impact of this missense change (SIFT: "Deleterious"; PolyPhen-2: "Probably Damaging"; Align-GVGD: "Class C0"). In summary, the available evidence is currently insufficient to determine the role of this variant in disease. Therefore, it has been classified as a Variant of Uncertain Significance.

NM_138773.4(SLC25A46):c.26T>C (p.Phe9Ser)

Gene: SLC25A46 (solute carrier family 25 member 46; plus strand). Cytogenetic location: 5q22.1.
Variant type: single nucleotide variant.
Coding change: c.26T>C on transcript NM_138773.4 (MANE Select); coding-DNA position 26, T replaced by C.
Protein change: p.Phe9Ser; replaces phenylalanine 9 with serine.
Molecular consequence: missense variant. On other transcripts: non-coding transcript variant (1), intron variant (1).
Genome position (GRCh38, 1-based): chr5:110,739,145, T>C. VCF-style: chr5-110739145-T-C. GRCh37 (hg19) VCF-style: chr5-110074846-T-C.
Other names: c.26T>C, p.Phe9Ser (NM_001303249.3); c.10+898T>C (NM_001303250.3); short protein forms F9S.
Identifiers: ClinVar variation 971081 (VCV000971081.5), dbSNP rs1561595610, ClinGen allele CA360692990.